The following is an entry in ClinVar:

ClinVar aggregate classification (germline): Uncertain significance (1 of 4 stars; one submission).

Conditions:
Hereditary cancer-predisposing syndrome. Also called: Neoplastic Syndromes, Hereditary; Tumor predisposition; Hereditary Cancer Syndrome; Hereditary neoplastic syndrome. Identifiers: Orphanet 140162, MedGen C0027672, MeSH D009386, MONDO:0015356.

Submission:

Ambry Genetics
Classification: Uncertain significance for Hereditary cancer-predisposing syndrome. Last evaluated: 2020-03-18. Review status: criteria provided, single submitter. Criteria: Ambry Variant Classification Scheme 2023. Collection method: clinical testing. Allele origin: germline.
Comment: The c.2065_2079del15 variant (also known as p.D689_K693del), located in coding exon 11 of the BARD1 gene, results from an in-frame deletion of 15 nucleotides at nucleotide positions 2065 to 2079. This results in the deletion of a five residues (DNLIK) between codons 689 and 693. This amino acid region is not well conserved in available vertebrate species. Since supporting evidence is limited at this time, the clinical significance of this alteration remains unclear.

NM_000465.4(BARD1):c.2065_2079del (p.Asp689_Lys693del)

Gene: BARD1 (BRCA1 associated RING domain 1; minus strand). Cytogenetic location: 2q35.
Variant type: Deletion.
Coding change: c.2065_2079del on transcript NM_000465.4 (MANE Select); coding-DNA positions 2065 to 2079, 15 bases deleted (GACAACCTTATTAAG).
Protein change: p.Asp689_Lys693del.
Molecular consequence: inframe deletion. On other transcripts: non-coding transcript variant (3).
Genome position (GRCh38, 1-based): chr2:214,728,931-214,728,945, CTTAATAAGGTTGTC deleted on the plus strand (GACAACCTTATTAAG on the coding strand, the reverse complement: BARD1 is on the minus strand); deleting any 15 consecutive bases within chr2:214,728,931-214,728,948 gives the same sequence; the c. name uses the placement nearest the transcript's 3' end. VCF-style (leftmost placement, unchanged base first): chr2-214728930-GCTTAATAAGGTTGTC-G. GRCh37 (hg19) VCF-style: chr2-215593654-GCTTAATAAGGTTGTC-G.
Other names: c.2008_2022del, p.Asp670_Lys674del (NM_001282543.2); c.712_726del, p.Asp238_Lys242del (NM_001282545.2); c.655_669del, p.Asp219_Lys223del (NM_001282548.2); c.526_540del, p.Asp176_Lys180del (NM_001282549.2).
Identifiers: ClinVar variation 1785280 (VCV001785280.2), dbSNP rs2469270695, ClinGen allele CA2580065640.